The following is an entry in ClinVar:

ClinVar aggregate classification (germline): Uncertain significance (1 of 4 stars; one submission).

Conditions:
Dystonic disorder. Also called: Dystonia. Identifiers: MedGen C0013421, MONDO:0003441, HP:0001332.

Submission:

Labcorp Genetics (formerly Invitae), Labcorp
Classification: Uncertain significance for Dystonic disorder. Last evaluated: 2025-09-14. Review status: criteria provided, single submitter. Criteria: Invitae Variant Classification Sherloc (09022015). Collection method: clinical testing. Allele origin: germline.
Comment: This sequence change replaces aspartic acid, which is acidic and polar, with glutamic acid, which is acidic and polar, at codon 729 of the CIZ1 protein (p.Asp729Glu). This variant is not present in population databases (gnomAD no frequency). This variant has not been reported in the literature in individuals affected with CIZ1-related conditions. An algorithm developed to predict the effect of missense changes on protein structure and function outputs the following: PolyPhen-2: "Benign". The glutamic acid amino acid residue is found in multiple mammalian species, which suggests that this missense change does not adversely affect protein function. In summary, the available evidence is currently insufficient to determine the role of this variant in disease. Therefore, it has been classified as a Variant of Uncertain Significance.

NM_001131016.2(CIZ1):c.2187C>A (p.Asp729Glu)

Gene: CIZ1 (CDKN1A interacting zinc finger protein 1; minus strand). Cytogenetic location: 9q34.11.
Variant type: single nucleotide variant.
Coding change: c.2187C>A on transcript NM_001131016.2 (MANE Select); coding-DNA position 2187, C replaced by A.
Protein change: p.Asp729Glu; replaces aspartic acid 729 with glutamic acid.
Molecular consequence: missense variant.
Genome position (GRCh38, 1-based): chr9:128,169,160, G>T on the plus strand (C>A on the coding strand, the complement: CIZ1 is on the minus strand). VCF-style: chr9-128169160-G-T. GRCh37 (hg19) VCF-style: chr9-130931439-G-T.
Other names: c.2019C>A, p.Asp673Glu (NM_001131015.2); c.2004C>A, p.Asp668Glu (NM_001131017.2); c.1947C>A, p.Asp649Glu (NM_001131018.2); c.2355C>A, p.Asp785Glu (NM_001257975.2); c.1884C>A, p.Asp628Glu (NM_001257976.2); c.2187C>A, p.Asp729Glu (NM_012127.3); short protein forms D628E, D649E, D668E, D673E, D729E, D785E.
Identifiers: ClinVar variation 4810659 (VCV004810659.1).